The following is an entry in ClinVar:

ClinVar aggregate classification (germline): Uncertain significance (0 of 4 stars; one submission).

Conditions:
IFT172-related disorder. Also called: IFT172-related condition; IFT172-related disorders.

Submission:

PreventionGenetics, part of Exact Sciences
Classification: Uncertain significance for IFT172-related condition. Last evaluated: 2024-05-30. Review status: no assertion criteria provided. Collection method: clinical testing. Allele origin: germline.
Comment: The IFT172 c.1117A>C variant is predicted to result in the amino acid substitution p.Thr373Pro. To our knowledge, this variant has not been reported in the literature or in gnomAD, indicating this variant is rare. At this time, the clinical significance of this variant is uncertain due to the absence of conclusive functional and genetic evidence.

NM_015662.3(IFT172):c.1117A>C (p.Thr373Pro)

Gene: IFT172 (intraflagellar transport 172; minus strand). Cytogenetic location: 2p23.3.
Variant type: single nucleotide variant.
Coding change: c.1117A>C on transcript NM_015662.3 (MANE Select); coding-DNA position 1117, A replaced by C.
Protein change: p.Thr373Pro; replaces threonine 373 with proline.
Molecular consequence: missense variant.
Genome position (GRCh38, 1-based): chr2:27,478,045, T>G on the plus strand (A>C on the coding strand, the complement: IFT172 is on the minus strand). VCF-style: chr2-27478045-T-G. GRCh37 (hg19) VCF-style: chr2-27700912-T-G.
Other names: c.1117A>C, p.Thr373Pro (NM_001410739.1); short protein forms T373P.
Identifiers: ClinVar variation 3344776 (VCV003344776.1).
Genomic context (GRCh38, chr2:27,478,045, plus strand): 5'-TGGTTCCTACCTCACTAAGCCGATTAGTGTTCAGGTCCCCCAGCAGCAGTGTTTCTGATG[T>G]GTGAGCCACCAAGTAACGTTCCTTTCCTAGGATTTTCACCTCTTCCACCTCATAGCCATA-3'
Protein context (NP_056477.1, residues 363-383): LGKERYLVAH[Thr373Pro]SETLLLGDLN